The following is an entry in ClinVar:

NM_006852.6(TLK2):c.1561G>A (p.Val521Ile)

Gene: TLK2 (tousled like kinase 2; plus strand). Cytogenetic location: 17q23.2.
Variant type: single nucleotide variant.
Coding change: c.1561G>A on transcript NM_006852.6 (MANE Select); coding-DNA position 1561, G replaced by A.
Protein change: p.Val521Ile; replaces valine 521 with isoleucine.
Molecular consequence: missense variant.
Genome position (GRCh38, 1-based): chr17:62,600,661, G>A. VCF-style: chr17-62600661-G-A. GRCh37 (hg19) VCF-style: chr17-60678022-G-A.
Other names: c.1627G>A, p.Val543Ile (NM_001284333.3); c.1465G>A, p.Val489Ile (NM_001284363.1, NM_001375272.1); c.1114G>A, p.Val372Ile (NM_001330418.3, NM_001375273.1); c.1603G>A, p.Val535Ile (NM_001375269.1); c.1561G>A, p.Val521Ile (NM_001375270.1, NM_001375271.1); c.1276G>A, p.Val426Ile (NM_001411074.1); short protein forms V372I, V426I, V489I, V521I, V535I, V543I.
Identifiers: ClinVar variation 3376373 (VCV003376373.1).

ClinVar aggregate classification (germline): Uncertain significance (1 of 4 stars; one submission).

Conditions:
Intellectual developmental disorder, autosomal dominant 57. Also called: MENTAL RETARDATION, AUTOSOMAL DOMINANT 57; Intellectual disability, autosomal dominant 57. Identifiers: MedGen C4748003, MONDO:0054837, OMIM 618050.

gnomAD v4.1: 14 of 1,608,806 alleles (0.00087%); highest among the groups gnomAD compares: Non-Finnish European, 0.001%; no homozygotes.

Submission:

Pittsburgh Clinical Genomics Laboratory, University of Pittsburgh Medical Center
Classification: Uncertain significance for Intellectual developmental disorder, autosomal dominant 57. Last evaluated: 2024-02-01. Review status: criteria provided, single submitter. Criteria: ACMG Guidelines, 2015. Collection method: clinical testing. Allele origin: germline. Inheritance: Autosomal dominant inheritance. Affected: yes.
Comment: This sequence variant is a single nucleotide substitution (G>A) at position 1561 of the coding sequence of the TLK2 gene that results in a valine to isoleucine amino acid change at residue 521 of the tousled like kinase 2 protein. The residue falls in the protein kinase domain of the protein (UniProt). This variant is absent from ClinVar and published literature. This variant is present in 14 of 1608806 alleles (0.0008702%) in the gnomAD population dataset. Bioinformatic tools are inconclusive if this variant is likely to be damaging or tolerated, and the Val521 residue at this position is highly conserved across the vertebrate species examined. Studies examining the functional consequence of this variant have not been performed, to our knowledge. At this time, there is insufficient evidence to determine if this variant is pathogenic or benign. Therefore, we consider this a variant of uncertain significance. ACMG Criteria: PM2